The following is an entry in ClinVar:

NM_003628.6(PKP4):c.1081A>G (p.Met361Val)

Gene: PKP4 (plakophilin 4; plus strand). Cytogenetic location: 2q24.1.
Variant type: single nucleotide variant.
Coding change: c.1081A>G on transcript NM_003628.6 (MANE Select); coding-DNA position 1081, A replaced by G.
Protein change: p.Met361Val; replaces methionine 361 with valine.
Molecular consequence: missense variant.
Genome position (GRCh38, 1-based): chr2:158,625,355, A>G. VCF-style: chr2-158625355-A-G. GRCh37 (hg19) VCF-style: chr2-159481867-A-G.
Other names: c.1081A>G, p.Met361Val (NM_001005476.4, NM_001304969.3, NM_001304971.2 and 6 more transcripts); c.55A>G, p.Met19Val (NM_001304970.3); c.1075A>G, p.Met359Val (NM_001377222.1, NM_001377223.1, NM_001377224.1); short protein forms M359V, M19V, M361V.
Identifiers: ClinVar variation 2563022 (VCV002563022.2), dbSNP rs879128886, ClinGen allele CA58651155.

ClinVar aggregate classification (germline): Uncertain significance (1 of 4 stars; one submission).

Allele frequency attached by ClinVar (database versions not stated): gnomAD exomes below 0.00001.
gnomAD v4.1: 4 of 1,614,204 alleles (0.00025%); highest among the groups gnomAD compares: Non-Finnish European, 0.00034%; no homozygotes.

Submission:

Ambry Genetics
Classification: Uncertain significance. Last evaluated: 2023-06-12. Review status: criteria provided, single submitter. Criteria: Ambry Variant Classification Scheme 2023. Collection method: clinical testing. Allele origin: germline.
Comment: The p.M361V variant (also known as c.1081A>G), located in coding exon 6 of the PKP4 gene, results from an A to G substitution at nucleotide position 1081. The methionine at codon 361 is replaced by valine, an amino acid with highly similar properties. This amino acid position is conserved. In addition, this alteration is predicted to be tolerated by in silico analysis. Since supporting evidence is limited at this time, the clinical significance of this alteration remains unclear.